The following is an entry in ClinVar:

NM_000138.5(FBN1):c.6926A>G (p.Asn2309Ser)

Gene: FBN1 (fibrillin 1; minus strand). Cytogenetic location: 15q21.1.
Variant type: single nucleotide variant.
Coding change: c.6926A>G on transcript NM_000138.5 (MANE Select); coding-DNA position 6926, A replaced by G.
Protein change: p.Asn2309Ser; replaces asparagine 2309 with serine.
Molecular consequence: missense variant.
Genome position (GRCh38, 1-based): chr15:48,428,417, T>C on the plus strand (A>G on the coding strand, the complement: FBN1 is on the minus strand). VCF-style: chr15-48428417-T-C. GRCh37 (hg19) VCF-style: chr15-48720614-T-C.
Other names: short protein forms N2309S.
Identifiers: ClinVar variation 1304680 (VCV001304680.2), dbSNP rs2141229964, ClinGen allele CA392330717.

ClinVar aggregate classification (germline): Uncertain significance (1 of 4 stars; one submission).

Allele frequency attached by ClinVar (database versions not stated): gnomAD exomes below 0.00001.
gnomAD v4.1: 1 of 1,614,050 alleles (0.000062%); highest among the groups gnomAD compares: Non-Finnish European, 0.000085%; no homozygotes.

Submission:

GeneDx
Classification: Uncertain significance. Last evaluated: 2019-10-28. Review status: criteria provided, single submitter. Criteria: GeneDx Variant Classification Process June 2021. Collection method: clinical testing. Allele origin: germline. Affected: yes.
Comment: Has not been previously published as pathogenic or benign to our knowledge; Not observed in large population cohorts (Lek et al., 2016); In silico analysis, which includes protein predictors and evolutionary conservation, supports a deleterious effect